The following is an entry in ClinVar:

NM_004360.5(CDH1):c.2521G>C (p.Glu841Gln)

Gene: CDH1 (cadherin 1; plus strand). Cytogenetic location: 16q22.1.
Variant type: single nucleotide variant.
Coding change: c.2521G>C on transcript NM_004360.5 (MANE Select); coding-DNA position 2521, G replaced by C.
Protein change: p.Glu841Gln; replaces glutamic acid 841 with glutamine.
Molecular consequence: missense variant.
Genome position (GRCh38, 1-based): chr16:68,833,371, G>C. VCF-style: chr16-68833371-G-C. GRCh37 (hg19) VCF-style: chr16-68867274-G-C.
Other names: c.2338G>C, p.Glu780Gln (NM_001317184.2); c.973G>C, p.Glu325Gln (NM_001317185.2); c.556G>C, p.Glu186Gln (NM_001317186.2); short protein forms E186Q, E325Q, E780Q, E841Q.
Identifiers: ClinVar variation 1008404 (VCV001008404.11), dbSNP rs377489352, ClinGen allele CA396472292.

ClinVar aggregate classification (germline): Uncertain significance. Review status: criteria provided, multiple submitters, no conflicts (2 of 4 stars). 2 submissions from 2 submitters: Uncertain significance (2). Last evaluated 2023-11-14.

Conditions:
Hereditary cancer-predisposing syndrome. Also called: Hereditary neoplastic syndrome; Neoplastic Syndromes, Hereditary; Tumor predisposition; Hereditary Cancer Syndrome. Identifiers: Orphanet 140162, MedGen C0027672, MeSH D009386, MONDO:0015356.
Hereditary diffuse gastric adenocarcinoma (HDGC). Also called: DIFFUSE GASTRIC AND LOBULAR BREAST CANCER SYNDROME. Identifiers: Orphanet 26106, MedGen C1708349, MONDO:0007648, OMIM 137215.

Submissions (2):

Labcorp Genetics (formerly Invitae), Labcorp
Classification: Uncertain significance for Hereditary diffuse gastric adenocarcinoma. Last evaluated: 2023-11-14. Review status: criteria provided, single submitter. Criteria: Invitae Variant Classification Sherloc (09022015). Collection method: clinical testing. Allele origin: germline.
Comment: This sequence change replaces glutamic acid, which is acidic and polar, with glutamine, which is neutral and polar, at codon 841 of the CDH1 protein (p.Glu841Gln). This variant is not present in population databases (gnomAD no frequency). This variant has not been reported in the literature in individuals affected with CDH1-related conditions. ClinVar contains an entry for this variant (Variation ID: 1008404). An algorithm developed to predict the effect of missense changes on protein structure and function (PolyPhen-2) suggests that this variant is likely to be disruptive. In summary, the available evidence is currently insufficient to determine the role of this variant in disease. Therefore, it has been classified as a Variant of Uncertain Significance.

Ambry Genetics
Classification: Uncertain significance for Hereditary cancer-predisposing syndrome. Last evaluated: 2020-08-19. Review status: criteria provided, single submitter. Criteria: Ambry Variant Classification Scheme 2023. Collection method: clinical testing. Allele origin: germline.
Comment: The p.E841Q variant (also known as c.2521G>C), located in coding exon 16 of the CDH1 gene, results from a G to C substitution at nucleotide position 2521. The glutamic acid at codon 841 is replaced by glutamine, an amino acid with highly similar properties. This amino acid position is highly conserved through mammals but not in all available vertebrate species. In addition, this alteration is predicted to be tolerated by in silico analysis. Since supporting evidence is limited at this time, the clinical significance of this alteration remains unclear.